The following is an entry in ClinVar:

ClinVar aggregate classification (germline): Uncertain significance (1 of 4 stars; one submission).

Submission:

Labcorp Genetics (formerly Invitae), Labcorp
Classification: Uncertain significance. Last evaluated: 2023-01-01. Review status: criteria provided, single submitter. Criteria: Invitae Variant Classification Sherloc (09022015). Collection method: clinical testing. Allele origin: germline.
Comment: In summary, the available evidence is currently insufficient to determine the role of this variant in disease. Therefore, it has been classified as a Variant of Uncertain Significance. Algorithms developed to predict the effect of missense changes on protein structure and function are either unavailable or do not agree on the potential impact of this missense change (SIFT: "Not Available"; PolyPhen-2: "Possibly Damaging"; Align-GVGD: "Not Available"). This variant has not been reported in the literature in individuals affected with EGF-related conditions. This variant is not present in population databases (gnomAD no frequency). This sequence change replaces serine, which is neutral and polar, with proline, which is neutral and non-polar, at codon 106 of the EGF protein (p.Ser106Pro).

NM_001963.6(EGF):c.316T>C (p.Ser106Pro)

Gene: EGF (epidermal growth factor; plus strand). Cytogenetic location: 4q25.
Variant type: single nucleotide variant.
Coding change: c.316T>C on transcript NM_001963.6 (MANE Select); coding-DNA position 316, T replaced by C.
Protein change: p.Ser106Pro; replaces serine 106 with proline.
Molecular consequence: missense variant.
Genome position (GRCh38, 1-based): chr4:109,941,134, T>C. VCF-style: chr4-109941134-T-C. GRCh37 (hg19) VCF-style: chr4-110862290-T-C.
Other names: c.316T>C, p.Ser106Pro (NM_001178130.3, NM_001178131.3, NM_001357021.2); short protein forms S106P.
Identifiers: ClinVar variation 2973973 (VCV002973973.3), dbSNP rs1741856047, ClinGen allele CA357874553.